The following is an entry in ClinVar:

ClinVar aggregate classification (germline): Uncertain significance (1 of 4 stars; one submission).

gnomAD v4.1: 1 of 1,208,930 alleles (0.000083%); highest among the groups gnomAD compares: Admixed American, 0.0022%; no homozygotes.

Submission:

Labcorp Genetics (formerly Invitae), Labcorp
Classification: Uncertain significance. Last evaluated: 2025-03-02. Review status: criteria provided, single submitter. Criteria: Invitae Variant Classification Sherloc (09022015). Collection method: clinical testing. Allele origin: germline.
Comment: This sequence change replaces glycine, which is neutral and non-polar, with alanine, which is neutral and non-polar, at codon 95 of the RBM10 protein (p.Gly95Ala). This variant is present in population databases (no rsID available, gnomAD 0.2%). This variant has not been reported in the literature in individuals affected with RBM10-related conditions. Invitae Evidence Modeling of protein sequence and biophysical properties (such as structural, functional, and spatial information, amino acid conservation, physicochemical variation, residue mobility, and thermodynamic stability) indicates that this missense variant is not expected to disrupt RBM10 protein function with a negative predictive value of 80%. In summary, the available evidence is currently insufficient to determine the role of this variant in disease. Therefore, it has been classified as a Variant of Uncertain Significance.

NM_005676.5(RBM10):c.284G>C (p.Gly95Ala)

Gene: RBM10 (RNA binding motif protein 10; plus strand). Cytogenetic location: Xp11.3.
Variant type: single nucleotide variant.
Coding change: c.284G>C on transcript NM_005676.5 (MANE Select); coding-DNA position 284, G replaced by C.
Protein change: p.Gly95Ala; replaces glycine 95 with alanine.
Molecular consequence: missense variant. On other transcripts: intron variant (4).
Genome position (GRCh38, 1-based): chrX:47,171,110, G>C. VCF-style: chrX-47171110-G-C. GRCh37 (hg19) VCF-style: chrX-47030509-G-C.
Other names: c.284G>C, p.Gly95Ala (NM_001204467.2); c.479G>C, p.Gly160Ala (NM_001204468.2, NM_001440861.1); c.396+1612G>C (NM_001440862.1, NM_001440863.1); c.201+1612G>C (NM_001204466.2, NM_152856.3); short protein forms G160A, G95A.
Identifiers: ClinVar variation 4693481 (VCV004693481.1).
Genomic context (GRCh38, chrX:47,171,110, plus strand): 5'-GCTCCGAGACTCAGCGTAGGCGGCGGCGGCGGCACAGGCACAGCCCCACCGGCCCGCCAG[G>C]CTTCCCCCGAGACGGCGACTATCGGGACCAGGACTATCGGACCGAGCAAGGGGAGGAGGA-3'
Protein context (NP_005667.2, residues 85-105): RHRHSPTGPP[Gly95Ala]FPRDGDYRDQ